The following is an entry in ClinVar:

NM_001270.4(CHD1):c.1807_1808insA (p.Leu603fs)

Gene: CHD1 (chromodomain helicase DNA binding protein 1; minus strand). Cytogenetic location: 5q15.
Variant type: Insertion.
Coding change: c.1807_1808insA on transcript NM_001270.4 (MANE Select); coding-DNA positions 1807 to 1808, A inserted.
Protein change: p.Leu603fs; shifts the reading frame from leucine 603.
Molecular consequence: frameshift variant. On other transcripts: non-coding transcript variant (2).
Genome position: GRCh38 VCF-style: chr5-98893599-A-AT. GRCh37 (hg19) VCF-style: chr5-98229303-A-AT.
Other names: c.1807_1808insA, p.Leu603fs (NM_001364113.3, NM_001376194.2); short protein forms L603fs.
Identifiers: ClinVar variation 523982 (VCV000523982.2), dbSNP rs1554078356, ClinGen allele CA658796560.
Genomic context (GRCh38, chr5:98,893,599, plus strand): 5'-TCATCATTCTTTAATCGGTGTGCTTCATCAACACCTATAAATGCCCAATTTAGACCTCCA[A>AT]GGAATGCCTTAAAATAATAGAAAAACAGTATTTTGAGAGAAAAACGGAATTCAAATTTAG-3'

ClinVar aggregate classification (germline): Uncertain significance (1 of 4 stars; one submission).

Submission:

GeneDx
Classification: Uncertain significance. Last evaluated: 2018-03-12. Review status: criteria provided, single submitter. Criteria: GeneDx Variant Classification (06012015). Collection method: clinical testing. Allele origin: germline. Affected: yes.
Comment: The c.1807_1808insA variant in the CHD1 gene has not been reported previously as a pathogenic variant nor as a benign variant, to our knowledge. The c.1807_1808insA variant causes a frameshift starting with codon Leucine 603, changes this amino acid to a Histidine residue, and creates a premature Stop codon at position 12 of the new reading frame, denoted p.Leu603HisfsX12. This variant is predicted to cause loss of normal protein function either through protein truncation or nonsense-mediated mRNA decay. The c.1807_1808insA variant is not observed in large population cohorts (Lek et al., 2016). Based on the currently available information, it is unclear whether this variant is a pathogenic variant or a rare benign variant.